The following is an entry in ClinVar:

NM_015559.3(SETBP1):c.540+7404C>T

Gene: SETBP1 (SET binding protein 1; plus strand). Cytogenetic location: 18q12.3.
Variant type: single nucleotide variant.
Coding change: c.540+7404C>T on transcript NM_015559.3 (MANE Select); 7404 bases into the intron after coding-DNA position 540, C replaced by T.
Molecular consequence: intron variant. On other transcripts: synonymous variant (1).
Genome position (GRCh38, 1-based): chr18:44,876,687, C>T. VCF-style: chr18-44876687-C-T. GRCh37 (hg19) VCF-style: chr18-42456652-C-T.
Other names: c.663C>T, p.Pro221= (NM_001130110.2); c.540+7404C>T (NM_001379141.1, NM_001410862.1, NM_001379142.1).
Identifiers: ClinVar variation 3357743 (VCV003357743.8).
Genomic context (GRCh38, chr18:44,876,687, plus strand): 5'-AAAGCAATTCCTGTCCCAGGAACGTGCCATGTGCTTCTCATGCCCCCGGAACCCATTCCC[C>T]GCAAAACCCGGTTCTCTCACTCTTCCTTTTCACAGTGAACCTGCAGTCTGGGCACAAGAA-3'

ClinVar aggregate classification (germline): Likely benign. Review status: criteria provided, multiple submitters, no conflicts (2 of 4 stars). 3 submissions from 3 submitters: Likely benign (2). 1 of the submissions does not count toward it. Last evaluated 2025-10-01.

Conditions:
SETBP1-related disorder. Also called: SETBP1-related condition; SETBP1-related disorders.

gnomAD v4.1: 67 of 1,522,848 alleles (0.0044%); highest among the groups gnomAD compares: East Asian, 0.055%; no homozygotes.

Submissions (3):

CeGaT Center for Human Genetics Tuebingen
Classification: Likely benign. Last evaluated: 2025-10-01. Review status: criteria provided, single submitter. Criteria: CeGaT Center For Human Genetics Tuebingen Variant Classification Criteria Version 2. Collection method: clinical testing. Allele origin: germline. Affected: yes. Observed: 1 variant allele.
Comment: SETBP1: BP4, BP7

Blueprint Genetics
Classification: Likely benign. Last evaluated: 2024-05-30. Review status: criteria provided, single submitter. Criteria: ACMG Guidelines, 2015. Collection method: clinical testing. Allele origin: germline.

PreventionGenetics, part of Exact Sciences
Classification: Likely benign for SETBP1-related condition. Last evaluated: 2024-06-20. Review status: no assertion criteria provided. Collection method: clinical testing. Allele origin: germline. Not counted in ClinVar's aggregate classification.
Comment: This variant is classified as likely benign based on ACMG/AMP sequence variant interpretation guidelines (Richards et al. 2015 PMID: 25741868, with internal and published modifications).